The following is an entry in ClinVar:

NM_000038.6(APC):c.6134C>G (p.Ser2045Cys)

Gene: APC (APC regulator of Wnt signaling pathway; plus strand). Cytogenetic location: 5q22.2.
Variant type: single nucleotide variant.
Coding change: c.6134C>G on transcript NM_000038.6 (MANE Select); coding-DNA position 6134, C replaced by G.
Protein change: p.Ser2045Cys; replaces serine 2045 with cysteine.
Molecular consequence: missense variant. On other transcripts: non-coding transcript variant (2).
Genome position (GRCh38, 1-based): chr5:112,841,728, C>G. VCF-style: chr5-112841728-C-G. GRCh37 (hg19) VCF-style: chr5-112177425-C-G.
Other names: c.6134C>G, p.Ser2045Cys (NM_001127510.3, NM_001407450.1, NM_001354895.2); c.6080C>G, p.Ser2027Cys (NM_001127511.3); c.5654C>G, p.Ser1885Cys (NM_001354905.2); c.5285C>G, p.Ser1762Cys (NM_001354906.2, NM_001407470.1); c.6218C>G, p.Ser2073Cys (NM_001407446.1); c.6188C>G, p.Ser2063Cys (NM_001407447.1, NM_001407448.1, NM_001407449.1 and 1 more transcripts); c.6113C>G, p.Ser2038Cys (NM_001407451.1); c.6104C>G, p.Ser2035Cys (NM_001407452.1); and 11 more; short protein forms S1762C, S1916C, S2020C, S2038C, S2073C, S1661C, S1885C, S2045C.
Identifiers: ClinVar variation 4827292 (VCV004827292.1).

ClinVar aggregate classification (germline): Uncertain significance (1 of 4 stars; one submission).

Conditions:
Hereditary cancer-predisposing syndrome. Also called: Neoplastic Syndromes, Hereditary; Tumor predisposition; Hereditary Cancer Syndrome; Hereditary neoplastic syndrome. Identifiers: Orphanet 140162, MedGen C0027672, MeSH D009386, MONDO:0015356.

Submission:

Ambry Genetics
Classification: Uncertain significance for Hereditary cancer-predisposing syndrome. Last evaluated: 2026-02-27. Review status: criteria provided, single submitter. Criteria: Ambry Variant Classification Scheme 2023. Collection method: clinical testing. Allele origin: germline.
Comment: The p.S2045C variant (also known as c.6134C>G), located in coding exon 15 of the APC gene, results from a C to G substitution at nucleotide position 6134. The serine at codon 2045 is replaced by cysteine, an amino acid with dissimilar properties. This amino acid position is conserved. In addition, in silico predictors for this gene do not accurately predict pathogenicity. Based on the available evidence, the clinical significance of this variant remains unclear.